The following is an entry in ClinVar:

NM_004100.5(EYA4):c.3G>C (p.Met1Ile)

Gene: EYA4 (EYA transcriptional coactivator and phosphatase 4; plus strand). Cytogenetic location: 6q23.2.
Variant type: single nucleotide variant.
Coding change: c.3G>C on transcript NM_004100.5 (MANE Select); coding-DNA position 3, G replaced by C.
Protein change: p.Met1Ile; changes the start codon (methionine 1).
Molecular consequence: missense variant, initiator codon variant.
Genome position (GRCh38, 1-based): chr6:133,274,783, G>C. VCF-style: chr6-133274783-G-C. GRCh37 (hg19) VCF-style: chr6-133595921-G-C.
Other names: c.3G>C, p.Met1Ile (NM_001301012.2, NM_001301013.2, NM_001370458.1 and 3 more transcripts); short protein forms M1I.
Identifiers: ClinVar variation 3705673 (VCV003705673.2).

ClinVar aggregate classification (germline): Uncertain significance (1 of 4 stars; one submission).

Conditions:
Dilated cardiomyopathy 1J (CMD1J). Also called: CARDIOMYOPATHY, DILATED, WITH SENSORINEURAL HEARING LOSS, AUTOSOMAL DOMINANT. Identifiers: Orphanet 217622, MedGen C1854368, MONDO:0011541, OMIM 605362.

Submission:

Labcorp Genetics (formerly Invitae), Labcorp
Classification: Uncertain significance for Dilated cardiomyopathy 1J. Last evaluated: 2024-11-06. Review status: criteria provided, single submitter. Criteria: Invitae Variant Classification Sherloc (09022015). Collection method: clinical testing. Allele origin: germline.
Comment: This sequence change affects the initiator methionine of the EYA4 mRNA. The next in-frame methionine is located at codon 30. This variant is not present in population databases (gnomAD no frequency). This variant has not been reported in the literature in individuals affected with EYA4-related conditions. Experimental studies and prediction algorithms are not available or were not evaluated, and the functional significance of this variant is currently unknown. In summary, the available evidence is currently insufficient to determine the role of this variant in disease. Therefore, it has been classified as a Variant of Uncertain Significance.